The following is an entry in ClinVar:

NM_000257.4(MYH7):c.430G>A (p.Gly144Ser)

Gene: MYH7 (myosin heavy chain 7; minus strand). Cytogenetic location: 14q11.2.
Variant type: single nucleotide variant.
Coding change: c.430G>A on transcript NM_000257.4 (MANE Select); coding-DNA position 430, G replaced by A.
Protein change: p.Gly144Ser; replaces glycine 144 with serine.
Molecular consequence: missense variant.
Genome position (GRCh38, 1-based): chr14:23,432,711, C>T on the plus strand (G>A on the coding strand, the complement: MYH7 is on the minus strand). VCF-style: chr14-23432711-C-T. GRCh37 (hg19) VCF-style: chr14-23901920-C-T.
Other names: short protein forms G144S.
Identifiers: ClinVar variation 850618 (VCV000850618.14), dbSNP rs1036184671, ClinGen allele CA257826579.

ClinVar aggregate classification (germline): Uncertain significance. Review status: criteria provided, multiple submitters, no conflicts (2 of 4 stars). 4 submissions from 4 submitters: Uncertain significance (2). 2 of the submissions do not count toward it. Last evaluated 2026-03-17.

Conditions:
Cardiovascular phenotype. Identifiers: MedGen CN230736.
Hypertrophic cardiomyopathy. Also called: HYPERTROPHIC MYOCARDIOPATHY. Identifiers: Orphanet 217569, MedGen C0007194, MeSH D002312, MONDO:0005045, HP:0001639.

Allele frequency attached by ClinVar (database versions not stated): gnomAD 0.00001; TOPMed 0.00001.

Submissions (4):

Ambry Genetics
Classification: Uncertain significance for Cardiovascular phenotype. Last evaluated: 2026-03-17. Review status: criteria provided, single submitter. Criteria: Ambry Variant Classification Scheme 2023. Collection method: clinical testing. Allele origin: germline.
Comment: The p.G144S variant (also known as c.430G>A), located in coding exon 3 of the MYH7 gene, results from a G to A substitution at nucleotide position 430. The glycine at codon 144 is replaced by serine, an amino acid with similar properties. This variant was detected in a cardiomyopathy/arrhythmia genetic testing cohort; however, clinical details were limited, and additional cardiac variants were detected in some cases (van Lint FHM et al. Neth Heart J, 2019 Jun;27:304-309). This amino acid position is highly conserved in available vertebrate species. In addition, this alteration is predicted to be deleterious by in silico analysis. Based on the available evidence, the clinical significance of this variant remains unclear.

Labcorp Genetics (formerly Invitae), Labcorp
Classification: Uncertain significance for Hypertrophic cardiomyopathy. Last evaluated: 2025-10-08. Review status: criteria provided, single submitter. Criteria: Invitae Variant Classification Sherloc (09022015). Collection method: clinical testing. Allele origin: germline.
Comment: This sequence change replaces glycine, which is neutral and non-polar, with serine, which is neutral and polar, at codon 144 of the MYH7 protein (p.Gly144Ser). This variant is not present in population databases (gnomAD no frequency). This missense change has been observed in individual(s) with hypertrophic cardiomyopathy (PMID: 30847666). ClinVar contains an entry for this variant (Variation ID: 850618). Invitae Evidence Modeling of protein sequence and biophysical properties (such as structural, functional, and spatial information, amino acid conservation, physicochemical variation, residue mobility, and thermodynamic stability) indicates that this missense variant is expected to disrupt MYH7 protein function with a positive predictive value of 95%. This variant disrupts the p.Gly144 amino acid residue in MYH7. Other variant(s) that disrupt this residue have been determined to be pathogenic (PMID: 27247418; internal data). This suggests that this residue is clinically significant, and that variants that disrupt this residue are likely to be disease-causing. In summary, the available evidence is currently insufficient to determine the role of this variant in disease. Therefore, it has been classified as a Variant of Uncertain Significance.

Clinical Genetics, Academic Medical Center
Classification: Likely pathogenic. Review status: no assertion criteria provided. Collection method: clinical testing. Allele origin: germline. Affected: yes. Study: VKGL Data-share Consensus. Not counted in ClinVar's aggregate classification.

Genome Diagnostics Laboratory, University Medical Center Utrecht
Classification: Likely pathogenic. Review status: no assertion criteria provided. Collection method: clinical testing. Allele origin: germline. Affected: yes. Study: VKGL Data-share Consensus. Not counted in ClinVar's aggregate classification.

Literature cited by the submitters: PubMed 30847666 (cited by Ambry Genetics and Labcorp Genetics (formerly Invitae), Labcorp); PubMed 27247418 (cited by Labcorp Genetics (formerly Invitae), Labcorp).